The following is an entry in ClinVar:

ClinVar aggregate classification (germline): Uncertain significance. Review status: criteria provided, multiple submitters, no conflicts (2 of 4 stars). 4 submissions from 4 submitters: Uncertain significance (4). Last evaluated 2026-07-23.

Conditions:
Paragangliomas with sensorineural hearing loss. Identifiers: MedGen C1868633.
Carney-Stratakis syndrome. Also called: PARAGANGLIOMA AND GASTROINTESTINAL STROMAL TUMOR. Identifiers: Orphanet 97286, MedGen C1847319, MONDO:0011740, OMIM 606864.
Pheochromocytoma. Also called: MAX-Related Hereditary Paraganglioma-Pheochromocytoma Syndrome. Identifiers: Orphanet 29072, MedGen C0031511, MONDO:0008233, OMIM 171300, HP:0002666.
Cowden syndrome 3 (CWS3). Identifiers: Orphanet 201, MedGen CN166604, MONDO:0014045.
Mitochondrial complex 2 deficiency, nuclear type 3. Also called: MITOCHONDRIAL COMPLEX II DEFICIENCY, NUCLEAR TYPE 3. Identifiers: MedGen C5436934, MONDO:0030937, OMIM 619167.
Hereditary pheochromocytoma and paraganglioma. Also called: Hereditary paragangliomas and pheochromocytomas; Hereditary pheochromocytoma-paraganglioma; Hereditary Paraganglioma-Pheochromocytoma Syndromes. Identifiers: Orphanet 29072, MedGen C4274332, MONDO:0017366.
Hereditary cancer-predisposing syndrome. Also called: Neoplastic Syndromes, Hereditary; Hereditary Cancer Syndrome; Tumor predisposition; Hereditary neoplastic syndrome. Identifiers: Orphanet 140162, MedGen C0027672, MeSH D009386, MONDO:0015356.

Allele frequency attached by ClinVar (database versions not stated): ExAC 0.00001; gnomAD exomes 0.00002.
gnomAD v4.1: 3 of 1,611,756 alleles (0.00019%); highest among the groups gnomAD compares: Admixed American, 0.005%; no homozygotes.

Submissions (4):

Ambry Genetics
Classification: Uncertain significance for Hereditary cancer-predisposing syndrome. Last evaluated: 2026-07-23. Review status: criteria provided, single submitter. Criteria: Ambry Variant Classification Scheme 2023. Collection method: clinical testing. Allele origin: germline.

Labcorp Genetics (formerly Invitae), Labcorp
Classification: Uncertain significance for Carney-Stratakis syndrome; Paragangliomas with sensorineural hearing loss; Pheochromocytoma; Cowden syndrome 3. Last evaluated: 2025-11-25. Review status: criteria provided, single submitter. Criteria: Invitae Variant Classification Sherloc (09022015). Collection method: clinical testing. Allele origin: germline.
Comment: This sequence change replaces alanine, which is neutral and non-polar, with aspartic acid, which is acidic and polar, at codon 133 of the SDHD protein (p.Ala133Asp). This variant is present in population databases (rs755584530, gnomAD 0.01%). This variant has not been reported in the literature in individuals affected with SDHD-related conditions. ClinVar contains an entry for this variant (Variation ID: 412502). Invitae Evidence Modeling of protein sequence and biophysical properties (such as structural, functional, and spatial information, amino acid conservation, physicochemical variation, residue mobility, and thermodynamic stability) indicates that this missense variant is expected to disrupt SDHD protein function with a positive predictive value of 95%. In summary, the available evidence is currently insufficient to determine the role of this variant in disease. Therefore, it has been classified as a Variant of Uncertain Significance.

All of Us Research Program, National Institutes of Health
Classification: Uncertain significance for Hereditary pheochromocytoma and paraganglioma. Last evaluated: 2024-07-29. Review status: criteria provided, single submitter. Criteria: ACMG Guidelines, 2015. Collection method: clinical testing. Allele origin: germline. Inheritance: Autosomal dominant inheritance. Observed: 3 variant alleles, 3 heterozygotes.
Comment: This missense variant replaces alanine with aspartic acid at codon 133 of the SDHD protein. Computational prediction suggests that this variant may have deleterious impact on protein structure and function (internally defined REVEL score threshold >= 0.7, PMID: 27666373). To our knowledge, functional studies have not been reported for this variant. This variant has not been reported in individuals affected with SDHD-related disorders in the literature. This variant has been identified in 4/249876 chromosomes in the general population by the Genome Aggregation Database (gnomAD). The available evidence is insufficient to determine the role of this variant in disease conclusively. Therefore, this variant is classified as a Variant of Uncertain Significance.

This study involves interpretation of variants in research participants for the purpose of population health screening. Participant phenotype was not available at the time of variant classification. Additional details can be found in publication PMID: 35346344, PMCID: PMC8962531

Baylor Genetics
Classification: Uncertain significance for Mitochondrial complex 2 deficiency, nuclear type 3. Last evaluated: 2023-07-31. Review status: criteria provided, single submitter. Criteria: ACMG Guidelines, 2015. Collection method: clinical testing. Allele origin: unknown.

NM_003002.4(SDHD):c.398C>A (p.Ala133Asp)

Gene: SDHD (succinate dehydrogenase complex subunit D; plus strand). Cytogenetic location: 11q23.1.
Variant type: single nucleotide variant.
Coding change: c.398C>A on transcript NM_003002.4 (MANE Select); coding-DNA position 398, C replaced by A.
Protein change: p.Ala133Asp; replaces alanine 133 with aspartic acid.
Molecular consequence: missense variant. On other transcripts: 3 prime UTR variant (1), non-coding transcript variant (1).
Genome position (GRCh38, 1-based): chr11:112,094,888, C>A. VCF-style: chr11-112094888-C-A. GRCh37 (hg19) VCF-style: chr11-111965612-C-A.
Other names: c.253C>A, p.Leu85Ile (NM_001276503.2); c.281C>A, p.Ala94Asp (NM_001276504.2); c.*96C>A (NM_001276506.2); short protein forms A133D, L85I, A94D.
Identifiers: ClinVar variation 412502 (VCV000412502.19), dbSNP rs755584530, ClinGen allele CA071351.